The following is an entry in ClinVar:

NM_000785.4(CYP27B1):c.1310_1318dup (p.Thr439_Pro440insArgProThr)

Gene: CYP27B1 (cytochrome P450 family 27 subfamily B member 1; minus strand). Cytogenetic location: 12q14.1.
Variant type: Duplication.
Coding change: c.1310_1318dup on transcript NM_000785.4 (MANE Select); coding-DNA positions 1310 to 1318, 9 bases duplicated (GTCCCACCC; older notation c.1310_1318dupGTCCCACCC).
Protein change: p.Thr439_Pro440insArgProThr.
Molecular consequence: inframe insertion.
Genome position (GRCh38, 1-based): chr12:57,763,706-57,763,714, GGGTGGGAC duplicated on the plus strand (GTCCCACCC on the coding strand, the reverse complement: CYP27B1 is on the minus strand). VCF-style (leftmost placement, unchanged base first): chr12-57763705-G-GGGGTGGGAC. GRCh37 (hg19) VCF-style: chr12-58157488-G-GGGGTGGGAC.
Identifiers: ClinVar variation 5005145 (VCV005005145.2).

ClinVar aggregate classification (germline): Uncertain significance (1 of 4 stars; one submission).

Conditions:
Vitamin D-dependent rickets, type 1A. Also called: VITAMIN D HYDROXYLATION-DEFICIENT RICKETS, TYPE 1A; PDDR IA; PSEUDOVITAMIN D-DEFICIENCY RICKETS, TYPE IA. Identifiers: MedGen CN283242, MONDO:0020723, OMIM 264700.

Submission:

Juno Genomics, Hangzhou Juno Genomics, Inc
Classification: Uncertain significance for Vitamin D-dependent rickets, type 1A. Review status: criteria provided, single submitter. Criteria: ACMG Guidelines, 2015. Collection method: clinical testing. Allele origin: germline.
Comment: Protein length changes due to in-frame deletions/insertions in a non-repeat region or stop-loss variants.;Absent from controls (or at extremely low frequency if recessive) in Genome Aggregation Database.